The following is an entry in ClinVar:

NM_006084.5(IRF9):c.514G>C (p.Gly172Arg)

Gene: IRF9 (interferon regulatory factor 9; plus strand). Cytogenetic location: 14q12.
Variant type: single nucleotide variant.
Coding change: c.514G>C on transcript NM_006084.5 (MANE Select); coding-DNA position 514, G replaced by C.
Protein change: p.Gly172Arg; replaces glycine 172 with arginine.
Molecular consequence: missense variant.
Genome position (GRCh38, 1-based): chr14:24,163,896, G>C. VCF-style: chr14-24163896-G-C. GRCh37 (hg19) VCF-style: chr14-24633105-G-C.
Other names: c.514G>C, p.Gly172Arg (NM_001385400.1, NM_001385401.1, NM_001385402.1); short protein forms G172R.
Identifiers: ClinVar variation 1404793 (VCV001404793.6), dbSNP rs201838285, ClinGen allele CA389204730.

ClinVar aggregate classification (germline): Uncertain significance (1 of 4 stars; one submission).

gnomAD v4.1: 23 of 1,595,554 alleles (0.0014%); highest among the groups gnomAD compares: Non-Finnish European, 0.0019%; no homozygotes.

Submission:

Labcorp Genetics (formerly Invitae), Labcorp
Classification: Uncertain significance. Last evaluated: 2025-06-10. Review status: criteria provided, single submitter. Criteria: Invitae Variant Classification Sherloc (09022015). Collection method: clinical testing. Allele origin: germline.
Comment: This sequence change replaces glycine, which is neutral and non-polar, with arginine, which is basic and polar, at codon 172 of the IRF9 protein (p.Gly172Arg). This variant is present in population databases (no rsID available, gnomAD 0.002%). This variant has not been reported in the literature in individuals affected with IRF9-related conditions. ClinVar contains an entry for this variant (Variation ID: 1404793). An algorithm developed to predict the effect of missense changes on protein structure and function outputs the following: PolyPhen-2: "Benign". The arginine amino acid residue is found in multiple mammalian species, which suggests that this missense change does not adversely affect protein function. In summary, the available evidence is currently insufficient to determine the role of this variant in disease. Therefore, it has been classified as a Variant of Uncertain Significance.